The following is an entry in ClinVar:

ClinVar aggregate classification (germline): Pathogenic (1 of 4 stars; one submission).

Submission:

Labcorp Genetics (formerly Invitae), Labcorp
Classification: Pathogenic. Last evaluated: 2023-01-01. Review status: criteria provided, single submitter. Criteria: Invitae Variant Classification Sherloc (09022015). Collection method: clinical testing. Allele origin: germline.
Comment: For these reasons, this variant has been classified as Pathogenic. This variant has not been reported in the literature in individuals affected with FH-related conditions. This variant is not present in population databases (gnomAD no frequency). This sequence change creates a premature translational stop signal (p.Leu214Tyrfs*5) in the FH gene. It is expected to result in an absent or disrupted protein product. Loss-of-function variants in FH are known to be pathogenic (PMID: 11865300, 21398687).

Literature cited by the submitters: PubMed 11865300; PubMed 21398687.

NM_000143.4(FH):c.640_641insACAGAAG (p.Leu214fs)

Gene: FH (fumarate hydratase; minus strand). Cytogenetic location: 1q43.
Variant type: Insertion.
Coding change: c.640_641insACAGAAG on transcript NM_000143.4 (MANE Select); coding-DNA positions 640 to 641, ACAGAAG inserted.
Protein change: p.Leu214fs; shifts the reading frame from leucine 214.
Molecular consequence: frameshift variant.
Genome position: GRCh38 VCF-style: chr1-241508700-A-ACTTCTGT. GRCh37 (hg19) VCF-style: chr1-241672000-A-ACTTCTGT.
Other names: short protein forms L214fs.
Identifiers: ClinVar variation 2824256 (VCV002824256.3), dbSNP rs2527327324, ClinGen allele CA2739274046.